The following is an entry in ClinVar:

NM_002303.6(LEPR):c.2248A>G (p.Asn750Asp)

Gene: LEPR (leptin receptor; plus strand). Cytogenetic location: 1p31.3.
Variant type: single nucleotide variant.
Coding change: c.2248A>G on transcript NM_002303.6 (MANE Select); coding-DNA position 2248, A replaced by G.
Protein change: p.Asn750Asp; replaces asparagine 750 with aspartic acid.
Molecular consequence: missense variant.
Genome position (GRCh38, 1-based): chr1:65,617,999, A>G. VCF-style: chr1-65617999-A-G. GRCh37 (hg19) VCF-style: chr1-66083682-A-G.
Other names: c.2248A>G, p.Asn750Asp (NM_001003679.3, NM_001003680.3, NM_001198687.2 and 2 more transcripts); short protein forms N750D.
Identifiers: ClinVar variation 4993476 (VCV004993476.1).

ClinVar aggregate classification (germline): Uncertain significance (1 of 4 stars; one submission).

Conditions:
LEPR-related disorder. Also called: LEPR-related disorders; LEPR-related condition.

Submission:

PreventionGenetics, part of Exact Sciences
Classification: Uncertain significance for LEPR-related condition. Last evaluated: 2025-10-28. Review status: criteria provided, single submitter. Criteria: ACMG Guidelines, 2015. Collection method: clinical testing. Allele origin: germline.
Comment: The LEPR c.2248A>G variant is predicted to result in the amino acid substitution p.Asn750Asp. To our knowledge, this variant has not been reported in the literature or in a large population database (gnomAD), indicating this variant is rare. At this time, the clinical significance of this variant is uncertain due to the absence of conclusive functional and genetic evidence.